The following is an entry in ClinVar:

ClinVar aggregate classification (germline): Conflicting classifications of pathogenicity. Review status: criteria provided, conflicting classifications (1 of 4 stars). 3 submissions from 3 submitters: Uncertain significance (2); Benign (1). Last evaluated 2025-01-13.

Conditions:
Joubert syndrome 15 (JBTS15). Identifiers: Orphanet 475, MedGen C3280897, MONDO:0013763, OMIM 614464.

Allele frequency attached by ClinVar (database versions not stated): 1000 Genomes Project 30x 0.00031; ESP Exome Variant Server 0.00031; gnomAD exomes 0.00003 and 0.00010; gnomAD 0.00035 and 0.00041; 1000 Genomes Project 0.00040; TOPMed 0.00044; ExAC 0.00014.
gnomAD v4.1: 100 of 1,614,144 alleles (0.0062%); highest among the groups gnomAD compares: African/African-American, 0.12%; no homozygotes.

Submissions (3):

Labcorp Genetics (formerly Invitae), Labcorp
Classification: Uncertain significance for Joubert syndrome 15. Last evaluated: 2025-01-13. Review status: criteria provided, single submitter. Criteria: Invitae Variant Classification Sherloc (09022015). Collection method: clinical testing. Allele origin: germline.
Comment: This sequence change replaces serine, which is neutral and polar, with asparagine, which is neutral and polar, at codon 144 of the CEP41 protein (p.Ser144Asn). This variant is present in population databases (rs145850728, gnomAD 0.1%). This variant has not been reported in the literature in individuals affected with CEP41-related conditions. ClinVar contains an entry for this variant (Variation ID: 432833). Invitae Evidence Modeling of protein sequence and biophysical properties (such as structural, functional, and spatial information, amino acid conservation, physicochemical variation, residue mobility, and thermodynamic stability) indicates that this missense variant is not expected to disrupt CEP41 protein function with a negative predictive value of 80%. In summary, the available evidence is currently insufficient to determine the role of this variant in disease. Therefore, it has been classified as a Variant of Uncertain Significance.

GeneDx
Classification: Uncertain significance. Last evaluated: 2023-06-07. Review status: criteria provided, single submitter. Criteria: GeneDx Variant Classification Process June 2021. Collection method: clinical testing. Allele origin: germline. Affected: yes.
Comment: In silico analysis supports that this missense variant does not alter protein structure/function; This variant is associated with the following publications: (PMID: 34414098)

Blueprint Genetics
Classification: Benign. Last evaluated: 2021-08-30. Review status: criteria provided, single submitter. Criteria: ACMG Guidelines, 2015. Collection method: clinical testing. Allele origin: germline.

NM_018718.3(CEP41):c.431G>A (p.Ser144Asn)

Gene: CEP41 (centrosomal protein 41; minus strand). Cytogenetic location: 7q32.2.
Variant type: single nucleotide variant.
Coding change: c.431G>A on transcript NM_018718.3 (MANE Select); coding-DNA position 431, G replaced by A.
Protein change: p.Ser144Asn; replaces serine 144 with asparagine.
Molecular consequence: missense variant. On other transcripts: non-coding transcript variant (1).
Genome position (GRCh38, 1-based): chr7:130,402,791, C>T on the plus strand (G>A on the coding strand, the complement: CEP41 is on the minus strand). VCF-style: chr7-130402791-C-T. GRCh37 (hg19) VCF-style: chr7-130042632-C-T.
Other names: c.431G>A, p.Ser144Asn (NM_001257158.2); c.383G>A, p.Ser128Asn (NM_001257159.2); short protein forms S144N, S128N.
Identifiers: ClinVar variation 432833 (VCV000432833.10), dbSNP rs145850728, ClinGen allele CA4485567.